The following is an entry in ClinVar:

ClinVar aggregate classification (germline): Pathogenic (1 of 4 stars; one submission).

Conditions:
Joubert syndrome. Also called: CEREBELLOPARENCHYMAL DISORDER IV; JOUBERT-BOLTSHAUSER SYNDROME; Familial aplasia of the vermis. Identifiers: Orphanet 475, MedGen C5979921, MONDO:0018772.
Nephronophthisis. Also called: Juvenile Nephronophthisis. Identifiers: Orphanet 655, MedGen C0687120, MONDO:0019005, HP:0000090.
Meckel-Gruber syndrome. Also called: DYSENCEPHALIA SPLANCHNOCYSTICA; GRUBER SYNDROME; Dysencephalia splachnocystica. Identifiers: Orphanet 564, MedGen C0265215, MONDO:0018921.

Submission:

Labcorp Genetics (formerly Invitae), Labcorp
Classification: Pathogenic for Joubert syndrome; Meckel-Gruber syndrome; Nephronophthisis. Last evaluated: 2024-02-12. Review status: criteria provided, single submitter. Criteria: Invitae Variant Classification Sherloc (09022015). Collection method: clinical testing. Allele origin: germline.
Comment: This sequence change creates a premature translational stop signal (p.Gln1417*) in the CEP290 gene. It is expected to result in an absent or disrupted protein product. Loss-of-function variants in CEP290 are known to be pathogenic (PMID: 16909394, 17345604, 20690115). This variant is not present in population databases (gnomAD no frequency). This variant has not been reported in the literature in individuals affected with CEP290-related conditions. For these reasons, this variant has been classified as Pathogenic.

Literature cited by the submitters: PubMed 16909394; PubMed 17345604; PubMed 20690115.

NM_025114.4(CEP290):c.4249C>T (p.Gln1417Ter)

Gene: CEP290 (centrosomal protein 290; minus strand). Cytogenetic location: 12q21.32.
Variant type: single nucleotide variant.
Coding change: c.4249C>T on transcript NM_025114.4 (MANE Select); coding-DNA position 4249, C replaced by T.
Protein change: p.Gln1417Ter; replaces glutamine 1417 with a stop codon.
Molecular consequence: nonsense.
Genome position (GRCh38, 1-based): chr12:88,086,444, G>A on the plus strand (C>T on the coding strand, the complement: CEP290 is on the minus strand). VCF-style: chr12-88086444-G-A. GRCh37 (hg19) VCF-style: chr12-88480221-G-A.
Other names: short protein forms Q1417*.
Identifiers: ClinVar variation 3754512 (VCV003754512.2).